The following is an entry in ClinVar:

ClinVar aggregate classification (germline): Pathogenic/Likely pathogenic. Review status: criteria provided, multiple submitters, no conflicts (2 of 4 stars). 2 submissions from 2 submitters: Pathogenic (1); Likely pathogenic (1). Last evaluated 2023-07-21.

Conditions:
Pyruvate dehydrogenase E2 deficiency (PDHDD). Also called: LACTIC ACIDEMIA DUE TO DEFECT OF E2 LIPOYL TRANSACETYLASE OF THE PYRUVATE DEHYDROGENASE COMPLEX; Dihydrolipoamide Acetyltransferase (E2) Deficiency. Identifiers: Orphanet 765, Orphanet 79244, MedGen C1855565, MONDO:0009502, OMIM 245348.

Allele frequency attached by ClinVar (database versions not stated): gnomAD exomes below 0.00001; ExAC 0.00001.

Submissions (2):

Labcorp Genetics (formerly Invitae), Labcorp
Classification: Pathogenic for Pyruvate dehydrogenase E2 deficiency. Last evaluated: 2023-07-21. Review status: criteria provided, single submitter. Criteria: Invitae Variant Classification Sherloc (09022015). Collection method: clinical testing. Allele origin: germline.
Comment: This sequence change creates a premature translational stop signal (p.Asp283Glyfs*22) in the DLAT gene. It is expected to result in an absent or disrupted protein product. Loss-of-function variants in DLAT are known to be pathogenic (PMID: 20022530, 23021068). This variant is present in population databases (rs782704553, gnomAD 0.0009%). This variant has not been reported in the literature in individuals affected with DLAT-related conditions. ClinVar contains an entry for this variant (Variation ID: 434944). For these reasons, this variant has been classified as Pathogenic.

Genetic Services Laboratory, University of Chicago
Classification: Likely pathogenic for Pyruvate dehydrogenase E2 deficiency. Last evaluated: 2016-05-31. Review status: criteria provided, single submitter. Criteria: ACMG Guidelines, 2015. Collection method: clinical testing. Allele origin: germline. Affected: yes.

Literature cited by the submitters: PubMed 20022530 (cited by Labcorp Genetics (formerly Invitae), Labcorp); PubMed 23021068 (cited by Labcorp Genetics (formerly Invitae), Labcorp).

NM_001931.5(DLAT):c.848_849del (p.Asp283fs)

Gene: DLAT (dihydrolipoamide S-acetyltransferase; plus strand). Cytogenetic location: 11q23.1.
Variant type: Deletion.
Coding change: c.848_849del on transcript NM_001931.5 (MANE Select); coding-DNA positions 848 to 849, 2 bases deleted (AT; older notation c.848_849delAT).
Protein change: p.Asp283fs; shifts the reading frame from aspartic acid 283.
Molecular consequence: frameshift variant. On other transcripts: intron variant (2).
Genome position (GRCh38, 1-based): chr11:112,037,333-112,037,334, AT deleted. VCF-style (leftmost placement, unchanged base first): chr11-112037332-GAT-G. GRCh37 (hg19) VCF-style: chr11-111908056-GAT-G.
Other names: c.848_849del, p.Asp283fs (NM_001372031.1, NM_001372032.1, NM_001372033.1 and 1 more transcripts); c.815_816del, p.Asp272fs (NM_001372034.1); c.722_723del, p.Asp241fs (NM_001372036.1); c.680_681del, p.Asp227fs (NM_001372037.1); c.569_570del, p.Asp190fs (NM_001372038.1); c.467_468del, p.Asp156fs (NM_001372040.1); c.386_387del, p.Asp129fs (NM_001372042.1); c.661-1911_661-1910del (NM_001372039.1, NM_001372041.1); short protein forms D283fs, D129fs, D156fs, D227fs, D272fs, D190fs, D241fs.
Identifiers: ClinVar variation 434944 (VCV000434944.13), dbSNP rs782704553, ClinGen allele CA6276756.